The following is an entry in ClinVar:

ClinVar aggregate classification (germline): Uncertain significance (1 of 4 stars; one submission).

Conditions:
Febrile seizures, familial, 8 (FEB8). Also called: CONVULSIONS, FAMILIAL FEBRILE, 8. Identifiers: Orphanet 36387, MedGen C1969810, MONDO:0011891, OMIM 607681.
EPILEPSY, CHILDHOOD ABSENCE, SUSCEPTIBILITY TO, 2 (ECA2). Identifiers: Orphanet 64280, MedGen C1843244, OMIM 607681.

gnomAD v4.1: 19 of 1,613,206 alleles (0.0012%); highest among the groups gnomAD compares: East Asian, 0.013%; no homozygotes.

Submission:

Labcorp Genetics (formerly Invitae), Labcorp
Classification: Uncertain significance for Febrile seizures, familial, 8; EPILEPSY, CHILDHOOD ABSENCE, SUSCEPTIBILITY TO, 2. Last evaluated: 2024-06-28. Review status: criteria provided, single submitter. Criteria: Invitae Variant Classification Sherloc (09022015). Collection method: clinical testing. Allele origin: germline.
Comment: This sequence change replaces asparagine, which is neutral and polar, with serine, which is neutral and polar, at codon 79 of the GABRG2 protein (p.Asn79Ser). This variant is present in population databases (rs112894280, gnomAD 0.0009%). This missense change has been observed in individual(s) with generalized tonic-clonic seizures (PMID: 20485450). Advanced modeling of protein sequence and biophysical properties (such as structural, functional, and spatial information, amino acid conservation, physicochemical variation, residue mobility, and thermodynamic stability) has been performed at Invitae for this missense variant, however the output from this modeling did not meet the statistical confidence thresholds required to predict the impact of this variant on GABRG2 protein function. Experimental studies are conflicting or provide insufficient evidence to determine the effect of this variant on GABRG2 function (PMID: 23257655, 24798517). In summary, the available evidence is currently insufficient to determine the role of this variant in disease. Therefore, it has been classified as a Variant of Uncertain Significance.

Literature cited by the submitters: PubMed 20485450; PubMed 23257655; PubMed 24798517.

NM_198904.4(GABRG2):c.236A>G (p.Asn79Ser)

Gene: GABRG2 (gamma-aminobutyric acid type A receptor subunit gamma2; plus strand). Cytogenetic location: 5q34.
Variant type: single nucleotide variant.
Coding change: c.236A>G on transcript NM_198904.4 (MANE Select); coding-DNA position 236, A replaced by G.
Protein change: p.Asn79Ser; replaces asparagine 79 with serine.
Molecular consequence: missense variant. On other transcripts: 5 prime UTR variant (3).
Genome position (GRCh38, 1-based): chr5:162,093,956, A>G. VCF-style: chr5-162093956-A-G. GRCh37 (hg19) VCF-style: chr5-161520962-A-G.
Other names: c.236A>G, p.Asn79Ser (NM_000816.3, NM_001375340.1, NM_001375341.1 and 4 more transcripts); c.227A>G, p.Asn76Ser (NM_001375339.1); c.170A>G, p.Asn57Ser (NM_001375345.1, NM_001375346.1); c.149A>G, p.Asn50Ser (NM_001375347.1); c.-123A>G (NM_001375348.1, NM_001375350.1); c.-50A>G (NM_001375349.1); short protein forms N50S, N57S, N76S, N79S.
Identifiers: ClinVar variation 3759098 (VCV003759098.2).